The following is an entry in ClinVar:

NM_001267550.2(TTN):c.105512C>T (p.Thr35171Ile)

Genes: TTN (titin; minus strand), TTN-AS1 (TTN antisense RNA 1; plus strand), LOC129935184 (ATAC-STARR-seq lymphoblastoid active region 16809; plus strand). Cytogenetic location: 2q31.2.
Variant type: single nucleotide variant.
Coding change: c.105512C>T on transcript NM_001267550.2 (MANE Select); coding-DNA position 105512, C replaced by T.
Protein change: p.Thr35171Ile; replaces threonine 35171 with isoleucine.
Molecular consequence: missense variant.
Genome position (GRCh38, 1-based): chr2:178,531,103, G>A on the plus strand (C>T on the coding strand, the complement: TTN is on the minus strand). VCF-style: chr2-178531103-G-A. GRCh37 (hg19) VCF-style: chr2-179395830-G-A.
Other names: p.T33530I:ACT>ATT; c.100589C>T, p.Thr33530Ile (NM_001256850.1); c.78317C>T, p.Thr26106Ile (NM_003319.4); c.97808C>T, p.Thr32603Ile (NM_133378.4); c.78692C>T, p.Thr26231Ile (NM_133432.3); c.78893C>T, p.Thr26298Ile (NM_133437.4); short protein forms T33530I, T35171I, T32603I, T26231I, T26298I, T26106I.
Identifiers: ClinVar variation 203099 (VCV000203099.28), dbSNP rs774524898, ClinGen allele CA311235.

ClinVar aggregate classification (germline): Conflicting classifications of pathogenicity. Review status: criteria provided, conflicting classifications (1 of 4 stars). 12 submissions from 8 submitters: Uncertain significance (4); Benign (2); Likely benign (6). Last evaluated 2026-01-01.

Conditions:
TTN-related disorder. Also called: TTN-related condition; TTN-related disease; TTN-related disorders.
Cardiovascular phenotype. Identifiers: MedGen CN230736.
Autosomal recessive limb-girdle muscular dystrophy type 2J (LGMDR10). Also called: Limb-girdle muscular dystrophy, type 2J; MUSCULAR DYSTROPHY, LIMB-GIRDLE, AUTOSOMAL RECESSIVE 10. Identifiers: Orphanet 140922, MedGen C1837342, MONDO:0012127, OMIM 608807.
Dilated cardiomyopathy 1G (CMD1G). Identifiers: Orphanet 154, MedGen C1858763, MONDO:0011400, OMIM 604145.
Early-onset myopathy with fatal cardiomyopathy (CMYO5). Also called: Salih Myopathy; CONGENITAL MYOPATHY 5 WITH CARDIOMYOPATHY. Identifiers: Orphanet 289377, MedGen C2673677, MONDO:0012714, OMIM 611705. Disease mechanism: loss of function.
Tibial muscular dystrophy (TMD). Also called: Tibial muscular dystrophy, tardive; UDD MYOPATHY; Udd Distal Myopathy – Tibial Muscular Dystrophy. Identifiers: Orphanet 609, MedGen C1838244, MONDO:0010870, OMIM 600334.
Myopathy, myofibrillar, 9, with early respiratory failure (MFM9). Also called: EDSTROM MYOPATHY; MYOPATHY, PROXIMAL, WITH EARLY RESPIRATORY MUSCLE INVOLVEMENT; Myopathy, distal, with early respiratory failure, autosomal dominant; Hereditary myopathy with early respiratory failure. Identifiers: Orphanet 178464, Orphanet 34521, MedGen C1863599, MONDO:0011362, OMIM 603689.

Allele frequency attached by ClinVar (database versions not stated): gnomAD 0.00004 and 0.00007; TOPMed 0.00006; gnomAD exomes 0.00011 and 0.00016; ExAC 0.00019.
gnomAD v4.1: 164 of 1,613,870 alleles (0.01%); highest among the groups gnomAD compares: South Asian, 0.11%; 1 homozygote.

Submissions (12):

CeGaT Center for Human Genetics Tuebingen
Classification: Likely benign. Last evaluated: 2026-01-01. Review status: criteria provided, single submitter. Criteria: CeGaT Center For Human Genetics Tuebingen Variant Classification Criteria Version 2. Collection method: clinical testing. Allele origin: germline. Affected: yes. Observed: 1 variant allele.
Comment: TTN: BP4, BS1

Labcorp Genetics (formerly Invitae), Labcorp
Classification: Likely benign for Dilated cardiomyopathy 1G; Autosomal recessive limb-girdle muscular dystrophy type 2J. Last evaluated: 2025-11-09. Review status: criteria provided, single submitter. Criteria: Invitae Variant Classification Sherloc (09022015). Collection method: clinical testing. Allele origin: germline.

PreventionGenetics, part of Exact Sciences
Classification: Likely benign for TTN-related condition. Last evaluated: 2024-10-08. Review status: criteria provided, single submitter. Criteria: ACMG Guidelines, 2015. Collection method: clinical testing. Allele origin: germline.
Comment: This variant is classified as likely benign based on ACMG/AMP sequence variant interpretation guidelines (Richards et al. 2015 PMID: 25741868, with internal and published modifications).

Blueprint Genetics
Classification: Likely benign. Last evaluated: 2024-09-12. Review status: criteria provided, single submitter. Criteria: ACMG Guidelines, 2015. Collection method: clinical testing. Allele origin: germline.

Revvity Omics, Revvity
Classification: Uncertain significance. Last evaluated: 2021-06-28. Review status: criteria provided, single submitter. Criteria: ACMG Guidelines, 2015. Collection method: clinical testing. Allele origin: germline.

Ambry Genetics
Classification: Likely benign for Cardiovascular phenotype. Last evaluated: 2019-07-28. Review status: criteria provided, single submitter. Criteria: Ambry Variant Classification Scheme 2023. Collection method: clinical testing. Allele origin: germline.

GeneDx
Classification: Likely benign. Last evaluated: 2018-11-09. Review status: criteria provided, single submitter. Criteria: GeneDx Variant Classification Process June 2021. Collection method: clinical testing. Allele origin: germline. Affected: yes.

Illumina Laboratory Services, Illumina
Classification: Uncertain significance for Dilated cardiomyopathy 1G. Last evaluated: 2018-01-13. Review status: criteria provided, single submitter. Criteria: ICSL Variant Classification Criteria 13 December 2019. Collection method: clinical testing. Allele origin: germline.

Illumina Laboratory Services, Illumina
Classification: Benign for Myopathy, myofibrillar, 9, with early respiratory failure. Last evaluated: 2018-01-13. Review status: criteria provided, single submitter. Criteria: ICSL Variant Classification Criteria 13 December 2019. Collection method: clinical testing. Allele origin: germline.
Comment: This variant was observed in the ICSL laboratory as part of a predisposition screen in an ostensibly healthy population. It had not been previously curated by ICSL or reported in the Human Gene Mutation Database (HGMD: prior to June 1st, 2018), and was therefore a candidate for classification through an automated scoring system. Utilizing variant allele frequency, disease prevalence and penetrance estimates, and inheritance mode, an automated score was calculated to assess if this variant is too frequent to cause the disease. Based on the score and internal cut-off values, a variant classified as benign is not then subjected to further curation. The score for this variant resulted in a classification of benign for this disease.

Illumina Laboratory Services, Illumina
Classification: Uncertain significance for Early-onset myopathy with fatal cardiomyopathy. Last evaluated: 2018-01-13. Review status: criteria provided, single submitter. Criteria: ICSL Variant Classification Criteria 13 December 2019. Collection method: clinical testing. Allele origin: germline.

Illumina Laboratory Services, Illumina
Classification: Uncertain significance for Autosomal recessive limb-girdle muscular dystrophy type 2J. Last evaluated: 2018-01-13. Review status: criteria provided, single submitter. Criteria: ICSL Variant Classification Criteria 13 December 2019. Collection method: clinical testing. Allele origin: germline.

Illumina Laboratory Services, Illumina
Classification: Benign for Tibial muscular dystrophy. Last evaluated: 2018-01-13. Review status: criteria provided, single submitter. Criteria: ICSL Variant Classification Criteria 13 December 2019. Collection method: clinical testing. Allele origin: germline.
Comment: the same text as in the submission from Illumina Laboratory Services, Illumina above.